The following is an entry in ClinVar:

NM_002693.3(POLG):c.1223AGC[2] (p.Gln410del)

Gene: POLG (DNA polymerase gamma, catalytic subunit; minus strand). Cytogenetic location: 15q26.1.
Variant type: Microsatellite.
Coding change: c.1223AGC[2] on transcript NM_002693.3 (MANE Select); two copies in a row of the 3-base unit AGC starting at c.1223; the reference has three copies in a row; one copy, 3 bases deleted.
Protein change: p.Gln410del; deletes glutamine 410.
Molecular consequence: inframe deletion.
Genome position (GRCh38, 1-based): chr15:89,328,475-89,328,477, GCT deleted on the plus strand (AGC on the coding strand, the reverse complement: POLG is on the minus strand); deleting any 3 consecutive bases within chr15:89,328,475-89,328,484 gives the same sequence; the position shown is the placement nearest the transcript's 3' end. VCF-style (leftmost placement, unchanged base first): chr15-89328474-AGCT-A. GRCh37 (hg19) VCF-style: chr15-89871705-AGCT-A.
Other names: c.1229_1231delAGC (NM_002693.2); c.1223AGC[2], p.Gln410del (NM_001126131.2); short protein forms Q410del.
Identifiers: ClinVar variation 449625 (VCV000449625.7), dbSNP rs765446994, ClinGen allele CA7724915.

ClinVar aggregate classification (germline): Uncertain significance. Review status: criteria provided, multiple submitters, no conflicts (2 of 4 stars). 3 submissions from 3 submitters: Uncertain significance (3). Last evaluated 2024-01-02.

Conditions:
Progressive sclerosing poliodystrophy (MTDPS4A). Also called: NEURONAL DEGENERATION OF CHILDHOOD WITH LIVER DISEASE, PROGRESSIVE; ALPERS PROGRESSIVE INFANTILE POLIODYSTROPHY; Alpers-Huttenlocher Syndrome (AHS); Mitochondrial DNA depletion syndrome 4A (Alpers type); Mitochondrial DNA Depletion Syndrome 4A; Alpers Syndrome. Identifiers: Orphanet 726, MedGen C0205710, MONDO:0008758, OMIM 203700.

Submissions (3):

Labcorp Genetics (formerly Invitae), Labcorp
Classification: Uncertain significance for Progressive sclerosing poliodystrophy. Last evaluated: 2024-01-02. Review status: criteria provided, single submitter. Criteria: Invitae Variant Classification Sherloc (09022015). Collection method: clinical testing. Allele origin: germline.
Comment: This variant, c.1229_1231del, results in the deletion of 1 amino acid(s) of the POLG protein (p.Gln410del), but otherwise preserves the integrity of the reading frame. This variant is present in population databases (rs765446994, gnomAD 0.003%). This variant has not been reported in the literature in individuals affected with POLG-related conditions. ClinVar contains an entry for this variant (Variation ID: 449625). Experimental studies and prediction algorithms are not available or were not evaluated, and the functional significance of this variant is currently unknown. In summary, the available evidence is currently insufficient to determine the role of this variant in disease. Therefore, it has been classified as a Variant of Uncertain Significance.

Wong Mito Lab, Molecular and Human Genetics, Baylor College of Medicine
Classification: Uncertain significance for Progressive sclerosing poliodystrophy. Last evaluated: 2018-10-01. Review status: criteria provided, single submitter. Criteria: ACMG Guidelines, 2015. Collection method: clinical testing. Allele origin: germline.
Comment: The NM_002693.2:c.1229_1231del (NP_002684.1:p.Gln410del) [GRCH38: NC_000015.10:g.89328482_89328484del] variant in POLG gene is interpretated to be a Uncertain Significance based on ACMG guidelines (PMID: 25741868). This variant meets the following evidence codes reported in the ACMG-guideline. PM2:This variant is absent in key population databases. BP3:This variant results in inframe indel in repeats without known function. Based on the evidence criteria codes applied, the variant is suggested to be Uncertain Significance.

GeneDx
Classification: Uncertain significance. Last evaluated: 2015-12-04. Review status: criteria provided, single submitter. Criteria: GeneDx Variant Classification (06012015). Collection method: clinical testing. Allele origin: germline. Affected: yes.
Comment: A variant of uncertain significance has been identified in the POLG gene. The c.1229_1231delAGC variant has not been published as a pathogenic variant, nor has it been reported as a benign variant to our knowledge. It was not observed in approximately 6,500 individuals of European and African American ancestry in the NHLBI Exome Sequencing Project, indicating it is not a common benign variant in these populations. The c.1229_1231delAGC variant results in an in-frame deletion of a single Glutamine residue, denoted p.Gln410del. This deletion occurs at a position that is conserved in mammals. However, c.1229_1231delAGC is not predicted to cause loss of normal protein function through protein truncation or nonsense-mediated mRNA decay. Therefore, based on the currently available information, it is unclear whether this variant is a pathogenic variant or a rare benign variant.